The following is an entry in ClinVar:

ClinVar aggregate classification (germline): Uncertain significance (1 of 4 stars; one submission).

Conditions:
UGT1A1-related disorder. Also called: UGT1A1-related condition; UGT1A1-related disorders.

Submission:

PreventionGenetics, part of Exact Sciences
Classification: Uncertain significance for UGT1A1-related condition. Last evaluated: 2025-04-05. Review status: criteria provided, single submitter. Criteria: ACMG Guidelines, 2015. Collection method: clinical testing. Allele origin: germline.
Comment: The UGT1A1 c.871G>A variant is predicted to result in the amino acid substitution p.Glu291Lys. To our knowledge, this variant has not been reported in the literature or in a large population database (gnomAD), indicating this variant is rare. At this time, the clinical significance of this variant is uncertain due to the absence of conclusive functional and genetic evidence.

NM_000463.3(UGT1A1):c.871G>A (p.Glu291Lys)

Genes: UGT1A (UDP glucuronosyltransferase family 1 member A complex locus; plus strand), UGT1A1 (UDP glucuronosyltransferase family 1 member A1; plus strand), UGT1A10 (UDP glucuronosyltransferase family 1 member A10; plus strand), UGT1A3 (UDP glucuronosyltransferase family 1 member A3; plus strand), UGT1A4 (UDP glucuronosyltransferase family 1 member A4; plus strand) and 5 more. Cytogenetic location: 2q37.1.
Variant type: single nucleotide variant.
Coding change: c.871G>A on transcript NM_000463.3 (MANE Select); coding-DNA position 871, G replaced by A.
Protein change: p.Glu291Lys; replaces glutamic acid 291 with lysine.
Molecular consequence: missense variant.
Genome position (GRCh38, 1-based): chr2:233,767,040, G>A. VCF-style: chr2-233767040-G-A. GRCh37 (hg19) VCF-style: chr2-234675686-G-A.
Other names: c.862G>A, p.Glu288Lys (NM_019075.4, NM_019076.5, NM_019077.3 and 1 more transcripts); c.868G>A, p.Glu290Lys (NM_001072.4); c.67G>A, p.Glu23Lys (NM_205862.3); c.874G>A, p.Glu292Lys (NM_019078.2, NM_007120.3, NM_019093.4); short protein forms E288K, E292K, E23K, E290K, E291K.
Identifiers: ClinVar variation 5002317 (VCV005002317.1).